The following is an entry in ClinVar:

NM_000384.3(APOB):c.7917A>G (p.Ile2639Met)

Gene: APOB (apolipoprotein B; minus strand). Cytogenetic location: 2p24.1.
Variant type: single nucleotide variant.
Coding change: c.7917A>G on transcript NM_000384.3 (MANE Select); coding-DNA position 7917, A replaced by G.
Protein change: p.Ile2639Met; replaces isoleucine 2639 with methionine.
Molecular consequence: missense variant.
Genome position (GRCh38, 1-based): chr2:21,008,951, T>C on the plus strand (A>G on the coding strand, the complement: APOB is on the minus strand). VCF-style: chr2-21008951-T-C. GRCh37 (hg19) VCF-style: chr2-21231823-T-C.
Other names: short protein forms I2639M.
Identifiers: ClinVar variation 3415518 (VCV003415518.2).

ClinVar aggregate classification (germline): Uncertain significance. Review status: criteria provided, multiple submitters, no conflicts (2 of 4 stars). 2 submissions from 2 submitters: Uncertain significance (2). Last evaluated 2025-05-01.

Conditions:
Cardiovascular phenotype. Identifiers: MedGen CN230736.
Familial hypobetalipoproteinemia 1. Also called: Hypobetalipoproteinemia, normotriglyceridemic; Acanthocytosis with hypobetalipoproteinemia; APOB-Related Familial Hypobetalipoproteinemia. Identifiers: MedGen C4551990, MONDO:0014252, OMIM 615558.
Hypercholesterolemia, autosomal dominant, type B (FHCL2). Also called: Familial hypercholesterolemia 2; Familial Hypercholesterolemia Type B; APOLIPOPROTEIN B-100, FAMILIAL DEFECTIVE; APOLIPOPROTEIN B-100, FAMILIAL LIGAND-DEFECTIVE; HYPERCHOLESTEROLEMIA, FAMILIAL, DUE TO LIGAND-DEFECTIVE APOLIPOPROTEIN B; Hyperlipoproteinemia Type IIb. Identifiers: MedGen C1704417, MONDO:0007751, OMIM 144010.

Submissions (2):

Labcorp Genetics (formerly Invitae), Labcorp
Classification: Uncertain significance for Familial hypobetalipoproteinemia 1; Hypercholesterolemia, autosomal dominant, type B. Last evaluated: 2025-05-01. Review status: criteria provided, single submitter. Criteria: Invitae Variant Classification Sherloc (09022015). Collection method: clinical testing. Allele origin: germline.
Comment: This sequence change replaces isoleucine, which is neutral and non-polar, with methionine, which is neutral and non-polar, at codon 2639 of the APOB protein (p.Ile2639Met). This variant is not present in population databases (gnomAD no frequency). This variant has not been reported in the literature in individuals affected with APOB-related conditions. ClinVar contains an entry for this variant (Variation ID: 3415518). Invitae Evidence Modeling of protein sequence and biophysical properties (such as structural, functional, and spatial information, amino acid conservation, physicochemical variation, residue mobility, and thermodynamic stability) indicates that this missense variant is not expected to disrupt APOB protein function with a negative predictive value of 95%. In summary, the available evidence is currently insufficient to determine the role of this variant in disease. Therefore, it has been classified as a Variant of Uncertain Significance.

Ambry Genetics
Classification: Uncertain significance for Cardiovascular phenotype. Last evaluated: 2024-07-07. Review status: criteria provided, single submitter. Criteria: Ambry Variant Classification Scheme 2023. Collection method: clinical testing. Allele origin: germline.
Comment: The p.I2639M variant (also known as c.7917A>G), located in coding exon 26 of the APOB gene, results from an A to G substitution at nucleotide position 7917. The isoleucine at codon 2639 is replaced by methionine, an amino acid with highly similar properties. This amino acid position is conserved. In addition, this alteration is predicted to be tolerated by in silico analysis. Based on the available evidence, the clinical significance of this variant remains unclear.